The following is an entry in ClinVar:

ClinVar aggregate classification (germline): Likely pathogenic (1 of 4 stars; one submission).

Conditions:
Cystic fibrosis (CF). Also called: MUCOVISCIDOSIS. Identifiers: Orphanet 586, MedGen C0010674, MONDO:0009061, OMIM 219700. Disease mechanism: loss of function.

Submission:

Women's Health and Genetics/Laboratory Corporation of America, LabCorp
Classification: Likely pathogenic for Cystic fibrosis. Last evaluated: 2026-01-05. Review status: criteria provided, single submitter. Criteria: LabCorp Variant Classification Summary - May 2015. Collection method: clinical testing. Allele origin: germline.
Comment: Variant summary: CFTR c.3964-1G>C is located in a canonical splice-site and is predicted to affect mRNA splicing resulting in a significantly altered protein due to either exon skipping, shortening, or inclusion of intronic material. Variants that disrupt the consensus splice site are a relatively common cause of aberrant splicing and loss of CFTR function. Several computational tools predict a significant impact on normal splicing: Four predict the variant abolishes a canonical 3' acceptor site. However, these predictions have yet to be confirmed by functional studies. The variant was absent in 251056 control chromosomes. To our knowledge, no occurrence of c.3964-1G>C in individuals affected with CFTR-related conditions and no experimental evidence demonstrating its impact on protein function have been reported. No submitters have cited clinical-significance assessments for this variant to ClinVar. Based on the evidence outlined above, the variant was classified as likely pathogenic.

NM_000492.4(CFTR):c.3964-1G>C

Gene: CFTR (CF transmembrane conductance regulator; plus strand). Cytogenetic location: 7q31.2.
Variant type: single nucleotide variant.
Coding change: c.3964-1G>C on transcript NM_000492.4 (MANE Select); the canonical splice acceptor site of the intron before coding-DNA position 3964, G replaced by C.
Molecular consequence: splice acceptor variant.
Genome position (GRCh38, 1-based): chr7:117,664,687, G>C. VCF-style: chr7-117664687-G-C. GRCh37 (hg19) VCF-style: chr7-117304741-G-C.
Identifiers: ClinVar variation 4689670 (VCV004689670.1).